The following is an entry in ClinVar:

ClinVar aggregate classification (germline): Conflicting classifications of pathogenicity. Review status: criteria provided, conflicting classifications (1 of 4 stars). 6 submissions from 6 submitters: Pathogenic (1); Likely pathogenic (1); Uncertain significance (2); Benign (1). 1 of the submissions does not count toward it. Last evaluated 2026-08-03.

Conditions:
Myopia 25, autosomal dominant (MYP25). Identifiers: MedGen C4310655, MONDO:0014982, OMIM 617238.
High myopia, early-onset. Identifiers: MedGen C5394216.
VCAN-related disorder. Also called: VCAN-related condition.

Allele frequency attached by ClinVar (database versions not stated): gnomAD 0.00006 and 0.00007; TOPMed 0.00006; ExAC 0.00009; gnomAD exomes 0.00010.
gnomAD v4.1: 86 of 1,613,744 alleles (0.0053%); highest among the groups gnomAD compares: East Asian, 0.029%; no homozygotes.

Submissions (6):

PreventionGenetics, part of Exact Sciences
Classification: Uncertain significance for VCAN-related condition. Last evaluated: 2026-08-03. Review status: criteria provided, single submitter. Criteria: ACMG Guidelines, 2015. Collection method: clinical testing. Allele origin: germline.
Comment: The VCAN c.3373C>T variant is predicted to result in the amino acid substitution p.Arg1125Cys. To our knowledge, this variant has not been reported in the literature. This variant is reported in 0.055% of alleles in individuals of East Asian descent in gnomAD. Although we suspect that this variant may be benign, at this time, the clinical significance of this variant is uncertain due to the absence of conclusive functional and genetic evidence.

Labcorp Genetics (formerly Invitae), Labcorp
Classification: Uncertain significance. Last evaluated: 2026-01-14. Review status: criteria provided, single submitter. Criteria: Invitae Variant Classification Sherloc (09022015). Collection method: clinical testing. Allele origin: germline.
Comment: This sequence change replaces arginine, which is basic and polar, with cysteine, which is neutral and slightly polar, at codon 1125 of the VCAN protein (p.Arg1125Cys). This variant is present in population databases (rs762299976, gnomAD 0.05%), and has an allele count higher than expected for a pathogenic variant. This variant has not been reported in the literature in individuals affected with VCAN-related conditions. ClinVar contains an entry for this variant (Variation ID: 964375). An algorithm developed to predict the effect of missense changes on protein structure and function (PolyPhen-2) suggests that this variant is likely to be tolerated. In summary, the available evidence is currently insufficient to determine the role of this variant in disease. Therefore, it has been classified as a Variant of Uncertain Significance.

Blueprint Genetics
Classification: Benign. Last evaluated: 2024-08-08. Review status: criteria provided, single submitter. Criteria: ACMG Guidelines, 2015. Collection method: clinical testing. Allele origin: germline.

Ophthalmic Genetics and Bioinformatics Laboratory, Shanghai Puxi and Light Genomics Technology Co., Ltd.
Classification: Pathogenic for High myopia, early-onset. Last evaluated: 2022-02-01. Review status: criteria provided, single submitter. Criteria: Standards And Guidelines For The Interpretation Of Sequence Variants. Collection method: clinical testing. Allele origin: maternal. Affected: yes.

Ningxia Clinical Research Institute, People's Hospital of Ningxia Hui Autonomous Region
Classification: Likely pathogenic for Myopia 25, autosomal dominant. Review status: criteria provided, single submitter. Criteria: ACMG Guidelines, 2015. Collection method: clinical testing. Allele origin: inherited. Inheritance: Autosomal dominant inheritance with maternal imprinting. Affected: yes. Observed: 1 heterozygote.
Comment: ACMG guidelines: 1. Whole-exome and Sanger sequencing identified the heterozygous missense variant c.3373C>T (p.Arg1125Cys) in VCAN; 2. The variant has not been previously reported and shows very low frequencies in ExAC_ALL (0.000104) and ExAC_EAS (0.000599) (PM2_Moderate). 3. Multiple in-silico tools predict a damaging effect (PP3_Supporting). 4. The proband’s right-eye phenotype is consistent with early-onset high myopia (PP4_Supporting). 5. A certified genetic-testing laboratory has classified the variant as pathogenic (PP5_Supporting). 6. Protein-structure modeling indicated that the p.Arg1125Cys mutation replaces the positively charged arginine with a smaller, non-polar, uncharged cysteine at position 1125. According to the ACMG guidelines, the VCAN heterozygous variant c.3373C>T (p.Arg1125Cys) was classified as likely pathogenic.

Department of Pathology and Laboratory Medicine, Sinai Health System
Classification: Uncertain significance. Review status: no assertion criteria provided. Collection method: clinical testing. Allele origin: unknown. Affected: yes. Study: The Canadian Open Genetics Repository (COGR). Not counted in ClinVar's aggregate classification.
Comment: The VCAN p.R1125C variant was not identified in the literature but was identified in dbSNP (ID: rs762299976) and ClinVar (classified as uncertain significance by Invitae). The variant was identified in control databases in 28 of 282136 chromosomes at a frequency of 0.00009924 (Genome Aggregation Database March 6, 2019, v2.1.1). The p.R1125 residue is not conserved in mammals and computational analyses (MUT Assesor, PolyPhen-2, SIFT, MutationTaster, Revel, FATHMM, MetaLR, DANN) provide inconsistent predictions regarding the impact to the protein; this information is not very predictive of pathogenicity. The variant occurs outside of the splicing consensus sequence and in silico or computational prediction software programs (Splice AI exome) do not predict a deleterious effect on splicing. In summary, based on the above information the clinical significance of this variant cannot be determined with certainty at this time. This variant is classified as a variant of uncertain significance.

NM_004385.5(VCAN):c.3373C>T (p.Arg1125Cys)

Gene: VCAN (versican; plus strand). Cytogenetic location: 5q14.3.
Variant type: single nucleotide variant.
Coding change: c.3373C>T on transcript NM_004385.5 (MANE Select); coding-DNA position 3373, C replaced by T.
Protein change: p.Arg1125Cys; replaces arginine 1125 with cysteine.
Molecular consequence: missense variant. On other transcripts: intron variant (2).
Genome position (GRCh38, 1-based): chr5:83,521,679, C>T. VCF-style: chr5-83521679-C-T. GRCh37 (hg19) VCF-style: chr5-82817498-C-T.
Other names: c.3373C>T, p.Arg1125Cys (NM_001164098.2); c.1042+9283C>T (NM_001164097.2, NM_001126336.3); short protein forms R1125C.
Identifiers: ClinVar variation 964375 (VCV000964375.11), dbSNP rs762299976, ClinGen allele CA3332997.